The following is an entry in ClinVar:

NM_001080453.3(INTS1):c.4498_4500dup (p.Gly1500_Leu1501insGly)

Gene: INTS1 (integrator complex subunit 1; minus strand). Cytogenetic location: 7p22.3.
Variant type: Duplication.
Coding change: c.4498_4500dup on transcript NM_001080453.3 (MANE Select); coding-DNA positions 4498 to 4500, 3 bases duplicated (GGG; older notation c.4498_4500dupGGG).
Protein change: p.Gly1500_Leu1501insGly.
Molecular consequence: inframe insertion.
Genome position (GRCh38, 1-based): chr7:1,478,496-1,478,498, CCC duplicated on the plus strand (GGG on the coding strand, the reverse complement: INTS1 is on the minus strand); duplicating any 3 consecutive bases within chr7:1,478,496-1,478,501 gives the same sequence; the c. name uses the placement nearest the transcript's 3' end. VCF-style (leftmost placement, unchanged base first): chr7-1478495-G-GCCC. GRCh37 (hg19) VCF-style: chr7-1518131-G-GCCC.
Identifiers: ClinVar variation 5007176 (VCV005007176.2).
Genomic context (GRCh38, chr7:1,478,495, plus strand): 5'-CGGTGGAGCTGACCACCTCCAGGTCCTGACGGAAGGCCAGGGCCTCGGCCAGGCGCAGGA[G>GCCC]CCCCCCTCGCACTGTGGGAGGTCTGTGTGAGTGCCCTGTGGCTCCAGCCCTCACCCCATC-3'

ClinVar aggregate classification (germline): Uncertain significance (1 of 4 stars; one submission).

Conditions:
Neurodevelopmental disorder with cataracts, poor growth, and dysmorphic facies. Identifiers: MedGen C5231414, MONDO:0032817, OMIM 618571.

Submission:

Juno Genomics, Hangzhou Juno Genomics, Inc
Classification: Uncertain significance for Neurodevelopmental disorder with cataracts, poor growth, and dysmorphic facies. Review status: criteria provided, single submitter. Criteria: ACMG Guidelines, 2015. Collection method: clinical testing. Allele origin: germline.
Comment: Absent from controls (or at extremely low frequency if recessive) in Genome Aggregation Database.;Protein length changes due to in-frame deletions/insertions in a non-repeat region or stop-loss variants.